The following is an entry in ClinVar:

NM_002430.3(MN1):c.510G>A (p.Pro170=)

Gene: MN1 (MN1 proto-oncogene, transcriptional regulator; minus strand). Cytogenetic location: 22q12.1.
Variant type: single nucleotide variant.
Coding change: c.510G>A on transcript NM_002430.3 (MANE Select); coding-DNA position 510, G replaced by A.
Protein change: p.Pro170=; no amino-acid change (proline 170 retained).
Molecular consequence: synonymous variant.
Genome position (GRCh38, 1-based): chr22:27,800,034, C>T on the plus strand (G>A on the coding strand, the complement: MN1 is on the minus strand). VCF-style: chr22-27800034-C-T. GRCh37 (hg19) VCF-style: chr22-28196022-C-T.
Identifiers: ClinVar variation 2653032 (VCV002653032.25), dbSNP rs369691366, ClinGen allele CA10166556.

ClinVar aggregate classification (germline): Likely benign. Review status: criteria provided, multiple submitters, no conflicts (2 of 4 stars). 2 submissions from 2 submitters: Likely benign (2). Last evaluated 2023-08-01.

Allele frequency attached by ClinVar (database versions not stated): gnomAD exomes 0.00001; ExAC 0.00002.
gnomAD v4.1: 14 of 1,602,898 alleles (0.00087%); highest among the groups gnomAD compares: Middle Eastern, 0.016%; no homozygotes.

Submissions (2):

CeGaT Center for Human Genetics Tuebingen
Classification: Likely benign. Last evaluated: 2023-08-01. Review status: criteria provided, single submitter. Criteria: CeGaT Center For Human Genetics Tuebingen Variant Classification Criteria Version 2. Collection method: clinical testing. Allele origin: germline. Affected: yes. Observed: 1 variant allele.
Comment: MN1: BP4, BP7

Breakthrough Genomics
Classification: Likely benign. Review status: criteria provided, single submitter. Criteria: ACMG Guidelines, 2015. Collection method: not provided. Allele origin: germline. Inheritance: Autosomal dominant inheritance. Affected: yes.